The following is an entry in ClinVar:

NM_001384140.1(PCDH15):c.2267del (p.Leu756fs)

Gene: PCDH15 (protocadherin related 15; minus strand). Cytogenetic location: 10q21.1.
Variant type: Deletion.
Coding change: c.2267del on transcript NM_001384140.1 (MANE Select); coding-DNA position 2267, one base deleted (T; older notation c.2267delT).
Protein change: p.Leu756fs; shifts the reading frame from leucine 756.
Molecular consequence: frameshift variant.
Genome position (GRCh38, 1-based): chr10:54,023,151, A deleted on the plus strand (T on the coding strand, the reverse complement: PCDH15 is on the minus strand); the first of 3 consecutive A bases (chr10:54,023,151-54,023,153); deleting any one gives the same sequence. VCF-style (leftmost placement, unchanged base first): chr10-54023150-CA-C. GRCh37 (hg19) VCF-style: chr10-55782910-CA-C.
Other names: c.2282del, p.Leu761fs (NM_001142763.2, NM_001142771.2); c.2267del, p.Leu756fs (NM_001142764.2, NM_001142766.2, NM_001142770.3 and 5 more transcripts); c.2054del, p.Leu685fs (NM_001142765.2); c.2156del, p.Leu719fs (NM_001142767.2); c.2201del, p.Leu734fs (NM_001142768.2, NM_001142773.2, NM_001354404.2); c.2301delT, p.Leu768Trpfs (NM_001142769.4); c.2288del, p.Leu763fs (NM_001354411.2); short protein forms L719fs, L761fs, L734fs, L756fs, L768fs, L685fs, L763fs.
Identifiers: ClinVar variation 1419765 (VCV001419765.6), dbSNP rs2135323462, ClinGen allele CA2573145138.

ClinVar aggregate classification (germline): Pathogenic (1 of 4 stars; one submission).

Submission:

Labcorp Genetics (formerly Invitae), Labcorp
Classification: Pathogenic. Last evaluated: 2021-07-28. Review status: criteria provided, single submitter. Criteria: Invitae Variant Classification Sherloc (09022015). Collection method: clinical testing. Allele origin: germline.
Comment: For these reasons, this variant has been classified as Pathogenic. This variant has not been reported in the literature in individuals affected with PCDH15-related conditions. This variant is not present in population databases (ExAC no frequency). This sequence change creates a premature translational stop signal (p.Leu756Trpfs*20) in the PCDH15 gene. It is expected to result in an absent or disrupted protein product. Loss-of-function variants in PCDH15 are known to be pathogenic (PMID: 11398101, 11487575, 14570705).

Literature cited by the submitters: PubMed 11398101; PubMed 11487575; PubMed 14570705.